The following is an entry in ClinVar:

NM_182914.3(SYNE2):c.14460A>C (p.Lys4820Asn)

Gene: SYNE2 (spectrin repeat containing nuclear envelope protein 2; plus strand). Cytogenetic location: 14q23.2.
Variant type: single nucleotide variant.
Coding change: c.14460A>C on transcript NM_182914.3 (MANE Select); coding-DNA position 14460, A replaced by C.
Protein change: p.Lys4820Asn; replaces lysine 4820 with asparagine.
Molecular consequence: missense variant.
Genome position (GRCh38, 1-based): chr14:64,132,384, A>C. VCF-style: chr14-64132384-A-C. GRCh37 (hg19) VCF-style: chr14-64599102-A-C.
Other names: c.14460A>C, p.Lys4820Asn (NM_015180.6); short protein forms K4820N.
Identifiers: ClinVar variation 574117 (VCV000574117.9), dbSNP rs574306382, ClinGen allele CA7222787.

ClinVar aggregate classification (germline): Uncertain significance (1 of 4 stars; one submission).

Conditions:
Emery-Dreifuss muscular dystrophy 5, autosomal dominant (EDMD5). Also called: EMERY-DREIFUSS MUSCULAR DYSTROPHY 5. Identifiers: Orphanet 261, MedGen C2751805, MONDO:0013072, OMIM 612999.

Allele frequency attached by ClinVar (database versions not stated): gnomAD 0.00001; gnomAD exomes 0.00002; ExAC 0.00003; 1000 Genomes Project 30x 0.00016; 1000 Genomes Project 0.00020.
gnomAD v4.1: 14 of 1,614,218 alleles (0.00087%); highest among the groups gnomAD compares: Non-Finnish European, 0.0012%; no homozygotes.

Submission:

Labcorp Genetics (formerly Invitae), Labcorp
Classification: Uncertain significance for Emery-Dreifuss muscular dystrophy 5, autosomal dominant. Last evaluated: 2025-05-11. Review status: criteria provided, single submitter. Criteria: Invitae Variant Classification Sherloc (09022015). Collection method: clinical testing. Allele origin: germline.
Comment: This sequence change replaces lysine, which is basic and polar, with asparagine, which is neutral and polar, at codon 4820 of the SYNE2 protein (p.Lys4820Asn). This variant is present in population databases (rs574306382, gnomAD 0.004%). This variant has not been reported in the literature in individuals affected with SYNE2-related conditions. ClinVar contains an entry for this variant (Variation ID: 574117). An algorithm developed to predict the effect of missense changes on protein structure and function (PolyPhen-2) suggests that this variant is likely to be disruptive. In summary, the available evidence is currently insufficient to determine the role of this variant in disease. Therefore, it has been classified as a Variant of Uncertain Significance.